The following is an entry in ClinVar:

ClinVar aggregate classification (germline): Pathogenic (1 of 4 stars; one submission).

Conditions:
Parathyroid carcinoma (PRTC). Also called: CDC73-Related Parathyroid Carcinoma; Parathyroid gland carcinoma. Identifiers: Orphanet 143, MedGen C0687150, MONDO:0012004, OMIM 608266, HP:0006780.

Submission:

Labcorp Genetics (formerly Invitae), Labcorp
Classification: Pathogenic for Parathyroid carcinoma. Last evaluated: 2018-07-28. Review status: criteria provided, single submitter. Criteria: Invitae Variant Classification Sherloc (09022015). Collection method: clinical testing. Allele origin: germline.
Comment: This sequence change creates a premature translational stop signal (p.Ser240Alafs*17) in the CDC73 gene. It is expected to result in an absent or disrupted protein product. This variant is not present in population databases (ExAC no frequency). This variant has not been reported in the literature in individuals with CDC73-related disease. Loss-of-function variants in CDC73 are known to be pathogenic (PMID: 12434154). For these reasons, this variant has been classified as Pathogenic.

Literature cited by the submitters: PubMed 12434154.

NM_024529.5(CDC73):c.718del (p.Ser240fs)

Gene: CDC73 (cell division cycle 73; plus strand). Cytogenetic location: 1q31.2.
Variant type: Deletion.
Coding change: c.718del on transcript NM_024529.5 (MANE Select); coding-DNA position 718, one base deleted (A; older notation c.718delA).
Protein change: p.Ser240fs; shifts the reading frame from serine 240.
Molecular consequence: frameshift variant.
Genome position (GRCh38, 1-based): chr1:193,142,055, A deleted; the last of 3 consecutive A bases (chr1:193,142,053-193,142,055); deleting any one gives the same sequence. VCF-style (leftmost placement, unchanged base first): chr1-193142052-CA-C. GRCh37 (hg19) VCF-style: chr1-193111182-CA-C.
Other names: c.718delA (NM_024529.4); short protein forms S240fs.
Identifiers: ClinVar variation 660497 (VCV000660497.7), dbSNP rs1572154885, ClinGen allele CA915941931.
Genomic context (GRCh38, chr1:193,142,052, plus strand): 5'-GATGTGACCCGAGATATTGTCAGCAGAGAGAGAGTATGGAGGACACGAACAACTATCTTA[CA>C]AAGCACAGGAAAGGTAATTAAAATATTTTACTCATTCATTGGAGTGAGAGAGAGAGAGAG-3'